The following is an entry in ClinVar:

ClinVar aggregate classification (germline): Likely benign. Review status: reviewed by expert panel (3 of 4 stars). 7 submissions from 7 submitters: Likely benign (1). 6 of the submissions do not count toward it. Last evaluated 2024-12-06.

Conditions:
Mucopolysaccharidosis type 1. Also called: IDUA deficiency; MPS I; Mucopolysaccharidosis Type I. Identifiers: Orphanet 579, MedGen C0023786, MONDO:0001586.
Inborn genetic diseases. Identifiers: MedGen C0950123, MeSH D030342.

Allele frequency attached by ClinVar (database versions not stated): gnomAD 0.00017 and 0.00021; TOPMed 0.00019; ExAC 0.00021; gnomAD exomes 0.00027; ESP Exome Variant Server 0.00046.

Submissions (7):

ClinGen Lysosomal Storage Disorder Variant Curation Expert Panel
Classification: Likely benign for Mucopolysaccharidosis type 1. Last evaluated: 2024-12-06. Review status: reviewed by expert panel. Criteria: ClinGen LSD ACMG Specifications IDUA V1.0.0. Collection method: curation. Allele origin: germline. Inheritance: Autosomal recessive inheritance.
Comment: The NM_000203.5:c.630C>T (p.Arg210=) variant in IDUA is a synonymous (silent) variant that is not predicted by SpliceAI to impact splicing (all scores are <0.1). In addition, the variant is not in the first nucleotide or last three nucleotides of an exon (BP4, BP7). The GrpMax Filtering Allele Frequency (95% confidence) is 0.002326 in the Middle Eastern population, which is below the ClinGen Lysosomal Diseases VCEP’s threshold for BS1 (>0.0025) and higher than the threshold for PM2_Supporting (<0.00025). Therefore, no population codes are met. To our knowledge, this variant has not been reported in the literature. There is a ClinVar entry for this variant (Variation ID: 350222). In summary, this variant meets the criteria to be classified as likely benign for mucopolysaccharidosis. IDUA-specific ACMG/AMP criteria applied, as specified by the ClinGen Lysosomal Diseases Variant Curation Expert Panel (Specifications Version 1.0.0): BP4, BP7. (Classification approved by the ClinGen Lysosomal Diseases Variant Curation Expert Panel on December 6, 2024)

Labcorp Genetics (formerly Invitae), Labcorp
Classification: Benign for Mucopolysaccharidosis type 1. Last evaluated: 2026-01-12. Review status: criteria provided, single submitter. Criteria: Invitae Variant Classification Sherloc (09022015). Collection method: clinical testing. Allele origin: germline. Not counted in ClinVar's aggregate classification.

Blueprint Genetics
Classification: Likely benign. Last evaluated: 2024-09-06. Review status: criteria provided, single submitter. Criteria: ACMG Guidelines, 2015. Collection method: clinical testing. Allele origin: germline. Not counted in ClinVar's aggregate classification.

Ambry Genetics
Classification: Likely benign for Inborn genetic diseases. Last evaluated: 2023-03-20. Review status: criteria provided, single submitter. Criteria: Ambry Variant Classification Scheme 2023. Collection method: clinical testing. Allele origin: germline. Not counted in ClinVar's aggregate classification.

CeGaT Center for Human Genetics Tuebingen
Classification: Likely benign. Last evaluated: 2022-10-01. Review status: criteria provided, single submitter. Criteria: CeGaT Center For Human Genetics Tuebingen Variant Classification Criteria Version 2. Collection method: clinical testing. Allele origin: germline. Affected: yes. Observed: 1 variant allele. Not counted in ClinVar's aggregate classification.
Comment: IDUA: BP4, BP7

Illumina Laboratory Services, Illumina
Classification: Uncertain significance for Mucopolysaccharidosis type 1. Last evaluated: 2018-01-13. Review status: criteria provided, single submitter. Criteria: ICSL Variant Classification Criteria 13 December 2019. Collection method: clinical testing. Allele origin: germline. Not counted in ClinVar's aggregate classification.

Natera, Inc.
Classification: Uncertain significance for Mucopolysaccharidosis type I. Last evaluated: 2020-04-03. Review status: no assertion criteria provided. Collection method: clinical testing. Allele origin: germline. Not counted in ClinVar's aggregate classification.

NM_000203.5(IDUA):c.630C>T (p.Arg210=)

Gene: IDUA (alpha-L-iduronidase; plus strand). Cytogenetic location: 4p16.3.
Variant type: single nucleotide variant.
Coding change: c.630C>T on transcript NM_000203.5 (MANE Select); coding-DNA position 630, C replaced by T.
Protein change: p.Arg210=; no amino-acid change (arginine 210 retained).
Molecular consequence: synonymous variant. On other transcripts: non-coding transcript variant (1).
Genome position (GRCh38, 1-based): chr4:1,001,719, C>T. VCF-style: chr4-1001719-C-T. GRCh37 (hg19) VCF-style: chr4-995507-C-T.
Other names: NM_000203.5(IDUA):c.630C>T; p.Arg210=; c.234C>T, p.Arg78= (NM_001363576.1).
Identifiers: ClinVar variation 350222 (VCV000350222.45), dbSNP rs376012666, ClinGen allele CA2802038.
Genomic context (GRCh38, chr4:1,001,719, plus strand): 5'-GCAGTGCTCCCCCGGCCCAGGCTTCCTGAACTACTACGATGCCTGCTCGGAGGGTCTGCG[C>T]GCCGCCAGCCCCGCCCTGCGGCTGGGAGGCCCCGGCGACTCCTTCCACACCCCACCGCGA-3'
Protein context (NP_000194.2, residues 200-220): NYYDACSEGL[Arg210=]AASPALRLGG